The following is an entry in ClinVar:

NM_000057.4(BLM):c.1753C>T (p.Gln585Ter)

Gene: BLM (BLM RecQ like helicase; plus strand). Cytogenetic location: 15q26.1.
Variant type: single nucleotide variant.
Coding change: c.1753C>T on transcript NM_000057.4 (MANE Select); coding-DNA position 1753, C replaced by T.
Protein change: p.Gln585Ter; replaces glutamine 585 with a stop codon.
Molecular consequence: nonsense.
Genome position (GRCh38, 1-based): chr15:90,761,126, C>T. VCF-style: chr15-90761126-C-T. GRCh37 (hg19) VCF-style: chr15-91304356-C-T.
Other names: c.1753C>T, p.Gln585Ter (NM_001287246.2, NM_001287247.2); c.628C>T, p.Gln210Ter (NM_001287248.2); short protein forms Q210*, Q585*.
Identifiers: ClinVar variation 4712721 (VCV004712721.1).

ClinVar aggregate classification (germline): Pathogenic (1 of 4 stars; one submission).

Conditions:
Bloom syndrome (BLM). Also called: Bloom-Torre-Machacek syndrome. Identifiers: Orphanet 125, MedGen C0005859, MONDO:0008876, OMIM 210900.

Submission:

Labcorp Genetics (formerly Invitae), Labcorp
Classification: Pathogenic for Bloom syndrome. Last evaluated: 2025-02-15. Review status: criteria provided, single submitter. Criteria: Invitae Variant Classification Sherloc (09022015). Collection method: clinical testing. Allele origin: germline.
Comment: This sequence change creates a premature translational stop signal (p.Gln585*) in the BLM gene. It is expected to result in an absent or disrupted protein product. Loss-of-function variants in BLM are known to be pathogenic (PMID: 17407155). This variant is not present in population databases (gnomAD no frequency). This variant has not been reported in the literature in individuals affected with BLM-related conditions. For these reasons, this variant has been classified as Pathogenic.

Literature cited by the submitters: PubMed 17407155.